The following is an entry in ClinVar:

ClinVar aggregate classification (germline): Uncertain significance (1 of 4 stars; one submission).

Conditions:
Seizures, benign familial infantile, 3 (BFIS3). Also called: CONVULSIONS, BENIGN FAMILIAL INFANTILE, 3; Familial neonatal seizures. Identifiers: Orphanet 140927, Orphanet 306, MedGen C1843140, MONDO:0011904, OMIM 607745.
Developmental and epileptic encephalopathy, 11 (DEE11). Also called: Early infantile epileptic encephalopathy 11. Identifiers: Orphanet 1934, MedGen C3150987, MONDO:0013388, OMIM 613721.

Submission:

Labcorp Genetics (formerly Invitae), Labcorp
Classification: Uncertain significance for Seizures, benign familial infantile, 3; Developmental and epileptic encephalopathy, 11. Last evaluated: 2023-04-07. Review status: criteria provided, single submitter. Criteria: Invitae Variant Classification Sherloc (09022015). Collection method: clinical testing. Allele origin: germline.
Comment: In summary, the available evidence is currently insufficient to determine the role of this variant in disease. Therefore, it has been classified as a Variant of Uncertain Significance. Advanced modeling of protein sequence and biophysical properties (such as structural, functional, and spatial information, amino acid conservation, physicochemical variation, residue mobility, and thermodynamic stability) performed at Invitae indicates that this missense variant is expected to disrupt SCN2A protein function. This variant has not been reported in the literature in individuals affected with SCN2A-related conditions. This variant is not present in population databases (gnomAD no frequency). This sequence change replaces phenylalanine, which is neutral and non-polar, with serine, which is neutral and polar, at codon 929 of the SCN2A protein (p.Phe929Ser).

NM_001040142.2(SCN2A):c.2786T>C (p.Phe929Ser)

Gene: SCN2A (sodium voltage-gated channel alpha subunit 2; plus strand). Cytogenetic location: 2q24.3.
Variant type: single nucleotide variant.
Coding change: c.2786T>C on transcript NM_001040142.2 (MANE Select); coding-DNA position 2786, T replaced by C.
Protein change: p.Phe929Ser; replaces phenylalanine 929 with serine.
Molecular consequence: missense variant.
Genome position (GRCh38, 1-based): chr2:165,344,778, T>C. VCF-style: chr2-165344778-T-C. GRCh37 (hg19) VCF-style: chr2-166201288-T-C.
Other names: c.2786T>C, p.Phe929Ser (NM_001371247.1, NM_021007.3, NM_001040143.2 and 1 more transcripts); short protein forms F929S.
Identifiers: ClinVar variation 2946315 (VCV002946315.3), dbSNP rs2468008152, ClinGen allele CA349015570.
Genomic context (GRCh38, chr2:165,344,778, plus strand): 5'-AATGTGTCTGCAAGATTTCCAATGATTGTGAACTCCCACGCTGGCACATGCATGACTTTT[T>C]CCACTCCTTCCTGATCGTGTTCCGCGTGCTGTGTGGAGAGTGGATAGAGACCATGTGGGA-3'
Protein context (NP_001035232.1, residues 919-939): ELPRWHMHDF[Phe929Ser]HSFLIVFRVL